The following is an entry in ClinVar:

ClinVar aggregate classification (germline): Uncertain significance (1 of 4 stars; one submission).

gnomAD v4.1: 8 of 1,614,138 alleles (0.0005%); highest among the groups gnomAD compares: South Asian, 0.0077%; no homozygotes.

Submission:

Labcorp Genetics (formerly Invitae), Labcorp
Classification: Uncertain significance. Last evaluated: 2024-10-28. Review status: criteria provided, single submitter. Criteria: Invitae Variant Classification Sherloc (09022015). Collection method: clinical testing. Allele origin: germline.
Comment: This sequence change replaces proline, which is neutral and non-polar, with leucine, which is neutral and non-polar, at codon 345 of the ROR2 protein (p.Pro345Leu). This variant is present in population databases (rs770408058, gnomAD 0.01%). This variant has not been reported in the literature in individuals affected with ROR2-related conditions. Invitae Evidence Modeling of protein sequence and biophysical properties (such as structural, functional, and spatial information, amino acid conservation, physicochemical variation, residue mobility, and thermodynamic stability) indicates that this missense variant is expected to disrupt ROR2 protein function with a positive predictive value of 80%. In summary, the available evidence is currently insufficient to determine the role of this variant in disease. Therefore, it has been classified as a Variant of Uncertain Significance.

NM_004560.4(ROR2):c.1034C>T (p.Pro345Leu)

Gene: ROR2 (receptor tyrosine kinase like orphan receptor 2; minus strand). Cytogenetic location: 9q22.31.
Variant type: single nucleotide variant.
Coding change: c.1034C>T on transcript NM_004560.4 (MANE Select); coding-DNA position 1034, C replaced by T.
Protein change: p.Pro345Leu; replaces proline 345 with leucine.
Molecular consequence: missense variant.
Genome position (GRCh38, 1-based): chr9:91,731,059, G>A on the plus strand (C>T on the coding strand, the complement: ROR2 is on the minus strand). VCF-style: chr9-91731059-G-A. GRCh37 (hg19) VCF-style: chr9-94493341-G-A.
Other names: c.1034C>T, p.Pro345Leu (NM_001318204.2); short protein forms P345L.
Identifiers: ClinVar variation 3695657 (VCV003695657.2).